The following is an entry in ClinVar:

ClinVar aggregate classification (germline): Uncertain significance (1 of 4 stars; one submission).

Allele frequency attached by ClinVar (database versions not stated): ExAC 0.00001; gnomAD 0.00001; gnomAD exomes 0.00001; TOPMed 0.00002; ESP Exome Variant Server 0.00008.
gnomAD v4.1: 7 of 1,613,754 alleles (0.00043%); highest among the groups gnomAD compares: Admixed American, 0.0017%; no homozygotes.

Submission:

Labcorp Genetics (formerly Invitae), Labcorp
Classification: Uncertain significance. Last evaluated: 2026-01-15. Review status: criteria provided, single submitter. Criteria: Invitae Variant Classification Sherloc (09022015). Collection method: clinical testing. Allele origin: germline.
Comment: This sequence change replaces histidine, which is basic and polar, with aspartic acid, which is acidic and polar, at codon 1144 of the CACNA1D protein (p.His1144Asp). This variant is present in population databases (rs377257596, gnomAD 0.002%). This variant has not been reported in the literature in individuals affected with CACNA1D-related conditions. ClinVar contains an entry for this variant (Variation ID: 1930082). Invitae Evidence Modeling of protein sequence and biophysical properties (such as structural, functional, and spatial information, amino acid conservation, physicochemical variation, residue mobility, and thermodynamic stability) indicates that this missense variant is not expected to disrupt CACNA1D protein function with a negative predictive value of 80%. In summary, the available evidence is currently insufficient to determine the role of this variant in disease. Therefore, it has been classified as a Variant of Uncertain Significance.

NM_001128840.3(CACNA1D):c.3370C>G (p.His1124Asp)

Genes: CACNA1D (calcium voltage-gated channel subunit alpha1 D; plus strand), LOC129936904 (ATAC-STARR-seq lymphoblastoid active region 19969; plus strand). Cytogenetic location: 3p21.1.
Variant type: single nucleotide variant.
Coding change: c.3370C>G on transcript NM_001128840.3 (MANE Select); coding-DNA position 3370, C replaced by G.
Protein change: p.His1124Asp; replaces histidine 1124 with aspartic acid.
Molecular consequence: missense variant.
Genome position (GRCh38, 1-based): chr3:53,749,323, C>G. VCF-style: chr3-53749323-C-G. GRCh37 (hg19) VCF-style: chr3-53783350-C-G.
Other names: c.3430C>G, p.His1144Asp (NM_000720.4); c.3370C>G, p.His1124Asp (NM_001128839.3); short protein forms H1124D, H1144D.
Identifiers: ClinVar variation 1930082 (VCV001930082.5), dbSNP rs377257596, ClinGen allele CA2454565.